The following is an entry in ClinVar:

ClinVar aggregate classification (germline): Uncertain significance (1 of 4 stars; one submission).

Conditions:
Ehlers-Danlos syndrome, musculocontractural type 2 (EDSMC2). Identifiers: Orphanet 2953, MedGen C3809845, MONDO:0014236, OMIM 615539.

Allele frequency attached by ClinVar (database versions not stated): gnomAD exomes 0.00001; TOPMed 0.00001; ExAC 0.00002.
gnomAD v4.1: 13 of 1,614,096 alleles (0.00081%); highest among the groups gnomAD compares: Non-Finnish European, 0.00085%; no homozygotes.

Submission:

Labcorp Genetics (formerly Invitae), Labcorp
Classification: Uncertain significance for Ehlers-Danlos syndrome, musculocontractural type 2. Last evaluated: 2025-04-17. Review status: criteria provided, single submitter. Criteria: Invitae Variant Classification Sherloc (09022015). Collection method: clinical testing. Allele origin: germline.
Comment: This sequence change replaces leucine, which is neutral and non-polar, with valine, which is neutral and non-polar, at codon 848 of the DSE protein (p.Leu848Val). This variant is present in population databases (rs761673358, gnomAD 0.005%). This variant has not been reported in the literature in individuals affected with DSE-related conditions. ClinVar contains an entry for this variant (Variation ID: 1903897). An algorithm developed to predict the effect of missense changes on protein structure and function (PolyPhen-2) suggests that this variant is likely to be tolerated. In summary, the available evidence is currently insufficient to determine the role of this variant in disease. Therefore, it has been classified as a Variant of Uncertain Significance.

NM_013352.4(DSE):c.2542C>G (p.Leu848Val)

Gene: DSE (dermatan sulfate epimerase; plus strand). Cytogenetic location: 6q22.1.
Variant type: single nucleotide variant.
Coding change: c.2542C>G on transcript NM_013352.4 (MANE Select); coding-DNA position 2542, C replaced by G.
Protein change: p.Leu848Val; replaces leucine 848 with valine.
Molecular consequence: missense variant. On other transcripts: 3 prime UTR variant (2), non-coding transcript variant (1).
Genome position (GRCh38, 1-based): chr6:116,437,010, C>G. VCF-style: chr6-116437010-C-G. GRCh37 (hg19) VCF-style: chr6-116758173-C-G.
Other names: c.2542C>G, p.Leu848Val (NM_001080976.3, NM_001322937.2, NM_001322938.2); c.2599C>G, p.Leu867Val (NM_001322939.2); c.1981C>G, p.Leu661Val (NM_001322940.2, NM_001322941.2); c.*1407C>G (NM_001322943.2, NM_001322944.2); c.1543C>G, p.Leu515Val (NM_001374520.1); c.1507C>G, p.Leu503Val (NM_001374521.1); short protein forms L848V, L867V, L515V, L661V, L503V.
Identifiers: ClinVar variation 1903897 (VCV001903897.5), dbSNP rs761673358, ClinGen allele CA3969831.